The following is an entry in ClinVar:

NM_001037984.3(SLC38A10):c.796T>C (p.Ser266Pro)

Gene: SLC38A10 (solute carrier family 38 member 10; minus strand). Cytogenetic location: 17q25.3.
Variant type: single nucleotide variant.
Coding change: c.796T>C on transcript NM_001037984.3 (MANE Select); coding-DNA position 796, T replaced by C.
Protein change: p.Ser266Pro; replaces serine 266 with proline.
Molecular consequence: missense variant.
Genome position (GRCh38, 1-based): chr17:81,276,085, A>G on the plus strand (T>C on the coding strand, the complement: SLC38A10 is on the minus strand). VCF-style: chr17-81276085-A-G. GRCh37 (hg19) VCF-style: chr17-79249885-A-G.
Other names: c.796T>C, p.Ser266Pro (NM_138570.4); short protein forms S266P.
Identifiers: ClinVar variation 4986619 (VCV004986619.1).

ClinVar aggregate classification (germline): Uncertain significance (1 of 4 stars; one submission).

Conditions:
SLC38A10-related disorder. Also called: SLC38A10-related condition.

Submission:

PreventionGenetics, part of Exact Sciences
Classification: Uncertain significance for SLC38A10-related condition. Last evaluated: 2026-05-01. Review status: criteria provided, single submitter. Criteria: ACMG Guidelines, 2015. Collection method: clinical testing. Allele origin: germline.
Comment: The SLC38A10 c.796T>C variant is predicted to result in the amino acid substitution p.Ser266Pro. To our knowledge, this variant has not been reported in the literature or in a large population database (gnomAD), indicating this variant is rare. At this time, the clinical significance of this variant is uncertain due to the absence of conclusive functional and genetic evidence.